The following is an entry in ClinVar:

ClinVar aggregate classification (germline): Likely benign (1 of 4 stars; one submission).

gnomAD v4.1: 6 of 1,550,774 alleles (0.00039%); highest among the groups gnomAD compares: Non-Finnish European, 0.00035%; no homozygotes.

Submission:

CeGaT Center for Human Genetics Tuebingen
Classification: Likely benign. Last evaluated: 2025-12-01. Review status: criteria provided, single submitter. Criteria: CeGaT Center For Human Genetics Tuebingen Variant Classification Criteria Version 2. Collection method: clinical testing. Allele origin: germline. Affected: yes. Observed: 1 variant allele.
Comment: SETD1B: BS2

NM_001353345.2(SETD1B):c.956A>G (p.Asp319Gly)

Gene: SETD1B (SET domain containing 1B, histone lysine methyltransferase; plus strand). Cytogenetic location: 12q24.31.
Variant type: single nucleotide variant.
Coding change: c.956A>G on transcript NM_001353345.2 (MANE Select); coding-DNA position 956, A replaced by G.
Protein change: p.Asp319Gly; replaces aspartic acid 319 with glycine.
Molecular consequence: missense variant.
Genome position (GRCh38, 1-based): chr12:121,809,901, A>G. VCF-style: chr12-121809901-A-G. GRCh37 (hg19) VCF-style: chr12-122247807-A-G.
Other names: short protein forms D319G.
Identifiers: ClinVar variation 4822816 (VCV004822816.4).